The following is an entry in ClinVar:

NM_001364905.1(LRBA):c.184A>G (p.Asn62Asp)

Gene: LRBA (LPS responsive beige-like anchor protein; minus strand). Cytogenetic location: 4q31.3.
Variant type: single nucleotide variant.
Coding change: c.184A>G on transcript NM_001364905.1 (MANE Select); coding-DNA position 184, A replaced by G.
Protein change: p.Asn62Asp; replaces asparagine 62 with aspartic acid.
Molecular consequence: missense variant.
Genome position (GRCh38, 1-based): chr4:151,014,459, T>C on the plus strand (A>G on the coding strand, the complement: LRBA is on the minus strand). VCF-style: chr4-151014459-T-C. GRCh37 (hg19) VCF-style: chr4-151935611-T-C.
Other names: c.184A>G, p.Asn62Asp (NM_001199282.3, NM_001367550.1, NM_006726.5); short protein forms N62D.
Identifiers: ClinVar variation 939585 (VCV000939585.8), dbSNP rs368681065, ClinGen allele CA3103951.

ClinVar aggregate classification (germline): Uncertain significance. Review status: criteria provided, multiple submitters, no conflicts (2 of 4 stars). 2 submissions from 2 submitters: Uncertain significance (2). Last evaluated 2025-02-04.

Conditions:
Inborn genetic diseases. Identifiers: MedGen C0950123, MeSH D030342.
Combined immunodeficiency due to LRBA deficiency. Also called: Common variable immunodeficiency 8, with autoimmunity. Identifiers: Orphanet 445018, MedGen C3553512, MONDO:0013863, OMIM 614700.

Allele frequency attached by ClinVar (database versions not stated): gnomAD 0.00003; ExAC 0.00004; gnomAD exomes 0.00004; ESP Exome Variant Server 0.00008; TOPMed 0.00008.
gnomAD v4.1: 68 of 1,614,076 alleles (0.0042%); highest among the groups gnomAD compares: Admixed American, 0.013%; no homozygotes.

Submissions (2):

Ambry Genetics
Classification: Uncertain significance for Inborn genetic diseases. Last evaluated: 2025-02-04. Review status: criteria provided, single submitter. Criteria: Ambry Variant Classification Scheme 2023. Collection method: clinical testing. Allele origin: germline.

Labcorp Genetics (formerly Invitae), Labcorp
Classification: Uncertain significance for Combined immunodeficiency due to LRBA deficiency. Last evaluated: 2022-10-24. Review status: criteria provided, single submitter. Criteria: Invitae Variant Classification Sherloc (09022015). Collection method: clinical testing. Allele origin: germline.
Comment: This sequence change replaces asparagine, which is neutral and polar, with aspartic acid, which is acidic and polar, at codon 62 of the LRBA protein (p.Asn62Asp). This variant is present in population databases (rs368681065, gnomAD 0.02%). This variant has not been reported in the literature in individuals affected with LRBA-related conditions. ClinVar contains an entry for this variant (Variation ID: 939585). Advanced modeling of protein sequence and biophysical properties (such as structural, functional, and spatial information, amino acid conservation, physicochemical variation, residue mobility, and thermodynamic stability) performed at Invitae indicates that this missense variant is not expected to disrupt LRBA protein function. In summary, the available evidence is currently insufficient to determine the role of this variant in disease. Therefore, it has been classified as a Variant of Uncertain Significance.